The following is an entry in ClinVar:

ClinVar aggregate classification (germline): Uncertain significance (1 of 4 stars; one submission).

Submission:

GeneDx
Classification: Uncertain significance. Last evaluated: 2024-11-05. Review status: criteria provided, single submitter. Criteria: GeneDx Variant Classification Process June 2021. Collection method: clinical testing. Allele origin: germline. Affected: yes.
Comment: Not observed at significant frequency in large population cohorts (gnomAD); In silico analysis indicates that this missense variant does not alter protein structure/function; Has not been previously published as pathogenic or benign to our knowledge

NM_001128.6(AP1G1):c.745A>G (p.Ile249Val)

Gene: AP1G1 (adaptor related protein complex 1 subunit gamma 1; minus strand). Cytogenetic location: 16q22.2.
Variant type: single nucleotide variant.
Coding change: c.745A>G on transcript NM_001128.6 (MANE Select); coding-DNA position 745, A replaced by G.
Protein change: p.Ile249Val; replaces isoleucine 249 with valine.
Molecular consequence: missense variant.
Genome position (GRCh38, 1-based): chr16:71,764,720, T>C on the plus strand (A>G on the coding strand, the complement: AP1G1 is on the minus strand). VCF-style: chr16-71764720-T-C. GRCh37 (hg19) VCF-style: chr16-71798623-T-C.
Other names: c.754A>G, p.Ile252Val (NM_001030007.2); short protein forms I249V, I252V.
Identifiers: ClinVar variation 3897317 (VCV003897317.1).